The following is an entry in ClinVar:

ClinVar aggregate classification (germline): Uncertain significance. Review status: criteria provided, multiple submitters, no conflicts (2 of 4 stars). 2 submissions from 2 submitters: Uncertain significance (2). Last evaluated 2025-12-02.

Conditions:
Inborn genetic diseases. Identifiers: MedGen C0950123, MeSH D030342.

Allele frequency attached by ClinVar (database versions not stated): gnomAD exomes below 0.00001; gnomAD 0.00001; TOPMed 0.00004.
gnomAD v4.1: 7 of 1,613,806 alleles (0.00043%); highest among the groups gnomAD compares: African/African-American, 0.0027%; no homozygotes.

Submissions (2):

Ambry Genetics
Classification: Uncertain significance for Inborn genetic diseases. Last evaluated: 2025-12-02. Review status: criteria provided, single submitter. Criteria: Ambry Variant Classification Scheme 2023. Collection method: clinical testing. Allele origin: germline.

Labcorp Genetics (formerly Invitae), Labcorp
Classification: Uncertain significance. Last evaluated: 2024-09-16. Review status: criteria provided, single submitter. Criteria: Invitae Variant Classification Sherloc (09022015). Collection method: clinical testing. Allele origin: germline.
Comment: This sequence change replaces tyrosine, which is neutral and polar, with cysteine, which is neutral and slightly polar, at codon 496 of the SERPING1 protein (p.Tyr496Cys). This variant is not present in population databases (gnomAD no frequency). This variant has not been reported in the literature in individuals affected with SERPING1-related conditions. Invitae Evidence Modeling of protein sequence and biophysical properties (such as structural, functional, and spatial information, amino acid conservation, physicochemical variation, residue mobility, and thermodynamic stability) indicates that this missense variant is expected to disrupt SERPING1 protein function with a positive predictive value of 80%. Algorithms developed to predict the effect of sequence changes on RNA splicing suggest that this variant may create or strengthen a splice site. In summary, the available evidence is currently insufficient to determine the role of this variant in disease. Therefore, it has been classified as a Variant of Uncertain Significance.

NM_000062.3(SERPING1):c.1487A>G (p.Tyr496Cys)

Gene: SERPING1 (serpin family G member 1; plus strand). Cytogenetic location: 11q12.1.
Variant type: single nucleotide variant.
Coding change: c.1487A>G on transcript NM_000062.3 (MANE Select); coding-DNA position 1487, A replaced by G.
Protein change: p.Tyr496Cys; replaces tyrosine 496 with cysteine.
Molecular consequence: missense variant.
Genome position (GRCh38, 1-based): chr11:57,614,565, A>G. VCF-style: chr11-57614565-A-G. GRCh37 (hg19) VCF-style: chr11-57382038-A-G.
Other names: c.1487A>G, p.Tyr496Cys (NM_001032295.2); short protein forms Y496C.
Identifiers: ClinVar variation 3023437 (VCV003023437.4), dbSNP rs894494647, ClinGen allele CA223024408.